The following is an entry in ClinVar:

NM_015001.3(SPEN):c.670A>G (p.Ile224Val)

Gene: SPEN (spen family transcriptional repressor; plus strand). Cytogenetic location: 1p36.21.
Variant type: single nucleotide variant.
Coding change: c.670A>G on transcript NM_015001.3 (MANE Select); coding-DNA position 670, A replaced by G.
Protein change: p.Ile224Val; replaces isoleucine 224 with valine.
Molecular consequence: missense variant.
Genome position (GRCh38, 1-based): chr1:15,876,467, A>G. VCF-style: chr1-15876467-A-G. GRCh37 (hg19) VCF-style: chr1-16202962-A-G.
Other names: short protein forms I224V.
Identifiers: ClinVar variation 3377662 (VCV003377662.1).
Genomic context (GRCh38, chr1:15,876,467, plus strand): 5'-AGGGCTCGCGAGCAGTTTACACTGCCCAGTGTGGTACACAGGGATATCTACAGGGATGAT[A>G]TTACCCGGGAGGTACGAGGCAGAAGGCCAGAGCGGAATTACCAGCACAGCAGGAGTCGGT-3'
Protein context (NP_055816.2, residues 214-234): VVHRDIYRDD[Ile224Val]TREVRGRRPE

ClinVar aggregate classification (germline): Uncertain significance (1 of 4 stars; one submission).

Conditions:
Radio-Tartaglia syndrome. Identifiers: Orphanet 662234, MedGen C5543339, MONDO:0859143, OMIM 619312.

gnomAD v4.1: 6 of 1,614,122 alleles (0.00037%); highest among the groups gnomAD compares: Non-Finnish European, 0.00051%; no homozygotes.

Submission:

Neuberg Centre For Genomic Medicine, NCGM
Classification: Uncertain significance for Radio-Tartaglia syndrome. Last evaluated: 2023-06-22. Review status: criteria provided, single submitter. Criteria: ACMG Guidelines, 2015. Collection method: clinical testing. Allele origin: germline. Inheritance: Autosomal dominant inheritance. Affected: yes.
Comment: The observed missense c.670A>G(p.Ile224Val) variant in SPEN gene has not been reported previously as a pathogenic variant nor as a benign variant, to our knowledge. This variant is absent in gnomAD Exomes. The amino acid Ile at position 224 is changed to a Val changing protein sequence and it might alter its composition and physico-chemical properties. The amino acid change p.Ile224Val in SPEN is predicted as conserved by GERP++ and PhyloP across 100 vertebrates. Computational evidence (Polyphen - Benign, SIFT - Tolerated, and MutationTaster - Polymorphism automatic) predicts conflicting evidence on protein structure and function for this variant. For these reasons, this variant has been classified as Uncertain Significance.